The following is an entry in ClinVar:

NM_001830.4(CLCN4):c.1389G>C (p.Lys463Asn)

Gene: CLCN4 (chloride voltage-gated channel 4; plus strand). Cytogenetic location: Xp22.2.
Variant type: single nucleotide variant.
Coding change: c.1389G>C on transcript NM_001830.4 (MANE Select); coding-DNA position 1389, G replaced by C.
Protein change: p.Lys463Asn; replaces lysine 463 with asparagine.
Molecular consequence: missense variant.
Genome position (GRCh38, 1-based): chrX:10,208,590, G>C. VCF-style: chrX-10208590-G-C. GRCh37 (hg19) VCF-style: chrX-10176630-G-C.
Other names: c.1107G>C, p.Lys369Asn (NM_001256944.2); short protein forms K369N, K463N.
Identifiers: ClinVar variation 3368279 (VCV003368279.1).

ClinVar aggregate classification (germline): Uncertain significance (1 of 4 stars; one submission).

Submission:

GeneDx
Classification: Uncertain significance. Last evaluated: 2024-01-30. Review status: criteria provided, single submitter. Criteria: GeneDx Variant Classification Process June 2021. Collection method: clinical testing. Allele origin: germline. Affected: yes.
Comment: Not observed at significant frequency in large population cohorts (gnomAD); In silico analysis supports that this missense variant has a deleterious effect on protein structure/function; Has not been previously published as pathogenic or benign to our knowledge